The following is an entry in ClinVar:

ClinVar aggregate classification (germline): Pathogenic. Review status: criteria provided, multiple submitters, no conflicts (2 of 4 stars). 2 submissions from 2 submitters: Pathogenic (2). Last evaluated 2022-03-20.

Conditions:
Retinitis pigmentosa 43 (RP43). Identifiers: Orphanet 791, MedGen C3151139, MONDO:0013437, OMIM 613810.

Submissions (2):

Labcorp Genetics (formerly Invitae), Labcorp
Classification: Pathogenic. Last evaluated: 2022-03-20. Review status: criteria provided, single submitter. Criteria: Invitae Variant Classification Sherloc (09022015). Collection method: clinical testing. Allele origin: germline.
Comment: For these reasons, this variant has been classified as Pathogenic. Algorithms developed to predict the effect of sequence changes on RNA splicing suggest that this variant may disrupt the consensus splice site. ClinVar contains an entry for this variant (Variation ID: 1213871). This variant has not been reported in the literature in individuals affected with PDE6A-related conditions. This variant is not present in population databases (gnomAD no frequency). This sequence change creates a premature translational stop signal (p.Glu373*) in the PDE6A gene. It is expected to result in an absent or disrupted protein product. Loss-of-function variants in PDE6A are known to be pathogenic (PMID: 7493036, 22128245, 23847139).

DBGen Ocular Genomics
Classification: Pathogenic for Retinitis pigmentosa 43. Last evaluated: 2021-06-18. Review status: criteria provided, single submitter. Criteria: ACMG Guidelines, 2015. Collection method: clinical testing. Allele origin: germline. Affected: yes. Observed: 1 variant allele.

Literature cited by the submitters: PubMed 7493036 (cited by Labcorp Genetics (formerly Invitae), Labcorp); PubMed 22128245 (cited by Labcorp Genetics (formerly Invitae), Labcorp); PubMed 23847139 (cited by Labcorp Genetics (formerly Invitae), Labcorp).

NM_000440.3(PDE6A):c.1117G>T (p.Glu373Ter)

Gene: PDE6A (phosphodiesterase 6A; minus strand). Cytogenetic location: 5q32.
Variant type: single nucleotide variant.
Coding change: c.1117G>T on transcript NM_000440.3 (MANE Select); coding-DNA position 1117, G replaced by T.
Protein change: p.Glu373Ter; replaces glutamic acid 373 with a stop codon.
Molecular consequence: nonsense.
Genome position (GRCh38, 1-based): chr5:149,899,521, C>A on the plus strand (G>T on the coding strand, the complement: PDE6A is on the minus strand). VCF-style: chr5-149899521-C-A. GRCh37 (hg19) VCF-style: chr5-149279084-C-A.
Other names: short protein forms E373*.
Identifiers: ClinVar variation 1213871 (VCV001213871.7), dbSNP rs2113595869, ClinGen allele CA361697145.
Genomic context (GRCh38, chr5:149,899,521, plus strand): 5'-TGTTCACAATCGGCATTGAAAGCACATTTTTAATCATCCATCCAGACTCATCCAGAGGTT[C>A]TTTCTACAAGAGAAGGGCTAGATTAGGTTTCCTCTTGTTTCAGGCCACAGAGGCAACGAT-3'